The following is an entry in ClinVar:

NM_001127511.3(APC):c.-47G>A

Gene: APC (APC regulator of Wnt signaling pathway; plus strand). Cytogenetic location: 5q22.2.
Variant type: single nucleotide variant.
Coding change: c.-47G>A on transcript NM_001127511.3; 47 bases upstream of the start codon, G replaced by A.
Molecular consequence: 5 prime UTR variant. On other transcripts: non-coding transcript variant (1), intron variant (5).
Genome position (GRCh38, 1-based): chr5:112,707,671, G>A. VCF-style: chr5-112707671-G-A. GRCh37 (hg19) VCF-style: chr5-112043368-G-A.
Other names: c.-230G>A (NM_001354895.2, NM_001407447.1, NM_001407452.1 and 3 more transcripts); c.-47G>A (NM_001354897.2, NM_001354902.2, NM_001407446.1); c.-1265G>A (NM_001407470.1, NM_001407472.1); c.-19+22G>A (NM_001407448.1, NM_001407450.1, NM_001407457.1 and 1 more transcripts); c.-43+22G>A (NM_001407453.1).
Identifiers: ClinVar variation 1008112 (VCV001008112.9), dbSNP rs1750595339, ClinGen allele CA1573442613.
Genomic context (GRCh38, chr5:112,707,671, plus strand): 5'-GGGAGCTGCGGACCGAGGTTGGCTCGATGCTGTTCCCAGGTACTGTTGTTGGCTGTTGGT[G>A]AGGAAGGTGAAGCACTCAGTTGCCTTCTCGGGCCTCGGCGCCCCCTATGTACGCCTCCCT-3'

ClinVar aggregate classification (germline): Uncertain significance (1 of 4 stars; one submission).

Conditions:
Familial adenomatous polyposis 1 (FAP1). Also called: FAMILIAL ADENOMATOUS POLYPOSIS 1, ATTENUATED; POLYPOSIS, ADENOMATOUS INTESTINAL. Identifiers: MedGen C2713442, MONDO:0021056, OMIM 175100. Disease mechanism: loss of function.

Submission:

Labcorp Genetics (formerly Invitae), Labcorp
Classification: Uncertain significance for Familial adenomatous polyposis 1. Last evaluated: 2022-11-08. Review status: criteria provided, single submitter. Criteria: Invitae Variant Classification Sherloc (09022015). Collection method: clinical testing. Allele origin: germline.
Comment: In summary, the available evidence is currently insufficient to determine the role of this variant in disease. Therefore, it has been classified as a Variant of Uncertain Significance. Experimental studies and prediction algorithms are not available or were not evaluated, and the functional significance of this variant is currently unknown. This variant has not been reported in the literature in individuals affected with APC-related conditions. This variant is not present in population databases (gnomAD no frequency). This variant occurs in a non-coding region of the APC gene. It does not change the encoded amino acid sequence of the APC protein.